The following is an entry in ClinVar:

NM_001303457.2(TTI1):c.858G>A (p.Lys286=)

Gene: TTI1 (TELO2 interacting protein 1; minus strand). Cytogenetic location: 20q11.23.
Variant type: single nucleotide variant.
Coding change: c.858G>A on transcript NM_001303457.2 (MANE Select); coding-DNA position 858, G replaced by A.
Protein change: p.Lys286=; no amino-acid change (lysine 286 retained).
Molecular consequence: synonymous variant.
Genome position (GRCh38, 1-based): chr20:38,012,959, C>T on the plus strand (G>A on the coding strand, the complement: TTI1 is on the minus strand). VCF-style: chr20-38012959-C-T. GRCh37 (hg19) VCF-style: chr20-36641361-C-T.
Other names: c.858G>A, p.Lys286= (NM_014657.3).
Identifiers: ClinVar variation 732742 (VCV000732742.14), dbSNP rs142838032, ClinGen allele CA9849569.

ClinVar aggregate classification (germline): Likely benign. Review status: criteria provided, multiple submitters, no conflicts (2 of 4 stars). 3 submissions from 3 submitters: Likely benign (3). Last evaluated 2025-05-01.

Allele frequency attached by ClinVar (database versions not stated): TOPMed 0.00054; 1000 Genomes Project 0.00060; 1000 Genomes Project 30x 0.00062; ESP Exome Variant Server 0.00077; ExAC 0.00083; gnomAD exomes 0.00093 and 0.00114; gnomAD 0.00098 and 0.00106.
gnomAD v4.1: 1,796 of 1,614,152 alleles (0.11%); highest among the groups gnomAD compares: South Asian, 0.17%; 5 homozygotes.

Submissions (3):

CeGaT Center for Human Genetics Tuebingen
Classification: Likely benign. Last evaluated: 2025-05-01. Review status: criteria provided, single submitter. Criteria: CeGaT Center For Human Genetics Tuebingen Variant Classification Criteria Version 2. Collection method: clinical testing. Allele origin: germline. Affected: yes. Observed: 1 variant allele.
Comment: TTI1: BP4, BP7

Labcorp Genetics (formerly Invitae), Labcorp
Classification: Likely benign. Last evaluated: 2018-07-10. Review status: criteria provided, single submitter. Criteria: Invitae Variant Classification Sherloc (09022015). Collection method: clinical testing. Allele origin: germline.

Breakthrough Genomics
Classification: Likely benign. Review status: criteria provided, single submitter. Criteria: ACMG Guidelines, 2015. Collection method: not provided. Allele origin: germline. Inheritance: Unknown mechanism. Affected: yes.